The following is an entry in ClinVar:

NM_002080.4(GOT2):c.1214A>G (p.Asp405Gly)

Gene: GOT2 (glutamic-oxaloacetic transaminase 2; minus strand). Cytogenetic location: 16q21.
Variant type: single nucleotide variant.
Coding change: c.1214A>G on transcript NM_002080.4 (MANE Select); coding-DNA position 1214, A replaced by G.
Protein change: p.Asp405Gly; replaces aspartic acid 405 with glycine.
Molecular consequence: missense variant.
Genome position (GRCh38, 1-based): chr16:58,708,250, T>C on the plus strand (A>G on the coding strand, the complement: GOT2 is on the minus strand). VCF-style: chr16-58708250-T-C. GRCh37 (hg19) VCF-style: chr16-58742154-T-C.
Other names: c.1085A>G, p.Asp362Gly (NM_001286220.2); short protein forms D362G, D405G.
Identifiers: ClinVar variation 2029681 (VCV002029681.4), dbSNP rs2044618532, ClinGen allele CA396163020.

ClinVar aggregate classification (germline): Uncertain significance (1 of 4 stars; one submission).

Allele frequency attached by ClinVar (database versions not stated): gnomAD exomes below 0.00001.
gnomAD v4.1: 2 of 1,614,038 alleles (0.00012%); highest among the groups gnomAD compares: Admixed American, 0.0017%; no homozygotes.

Submission:

Labcorp Genetics (formerly Invitae), Labcorp
Classification: Uncertain significance. Last evaluated: 2022-11-15. Review status: criteria provided, single submitter. Criteria: Invitae Variant Classification Sherloc (09022015). Collection method: clinical testing. Allele origin: germline.
Comment: This variant is not present in population databases (gnomAD no frequency). This variant has not been reported in the literature in individuals affected with GOT2-related conditions. This sequence change replaces aspartic acid, which is acidic and polar, with glycine, which is neutral and non-polar, at codon 405 of the GOT2 protein (p.Asp405Gly). In summary, the available evidence is currently insufficient to determine the role of this variant in disease. Therefore, it has been classified as a Variant of Uncertain Significance. Advanced modeling of protein sequence and biophysical properties (such as structural, functional, and spatial information, amino acid conservation, physicochemical variation, residue mobility, and thermodynamic stability) has been performed at Invitae for this missense variant, however the output from this modeling did not meet the statistical confidence thresholds required to predict the impact of this variant on GOT2 protein function.